The following is an entry in ClinVar:

NM_198252.3(GSN):c.663+13T>C

Gene: GSN (gelsolin; plus strand). Cytogenetic location: 9q33.2.
Variant type: single nucleotide variant.
Coding change: c.663+13T>C on transcript NM_198252.3 (MANE Select); 13 bases into the intron after coding-DNA position 663, T replaced by C.
Molecular consequence: intron variant.
Genome position (GRCh38, 1-based): chr9:121,312,501, T>C. VCF-style: chr9-121312501-T-C. GRCh37 (hg19) VCF-style: chr9-124074779-T-C.
Other names: c.663+13T>C (NM_001353054.1, NM_001353053.1, NM_001353060.2 and 10 more transcripts); c.696+13T>C (NM_001353064.2, NM_001353066.2, NM_001353073.2 and 13 more transcripts); c.771+13T>C (NM_001127663.2); c.735+13T>C (NM_001353076.2); c.9+13T>C (NM_001353078.2); c.714+13T>C (NM_001258029.2); c.687+13T>C (NM_001258030.2); c.816+13T>C (NM_000177.5).
Identifiers: ClinVar variation 2760133 (VCV002760133.3), dbSNP rs2540802375, ClinGen allele CA2697558027.

ClinVar aggregate classification (germline): Uncertain significance (1 of 4 stars; one submission).

Submission:

Labcorp Genetics (formerly Invitae), Labcorp
Classification: Uncertain significance. Last evaluated: 2023-06-15. Review status: criteria provided, single submitter. Criteria: Invitae Variant Classification Sherloc (09022015). Collection method: clinical testing. Allele origin: germline.
Comment: Algorithms developed to predict the effect of sequence changes on RNA splicing suggest that this variant may disrupt the consensus splice site. This variant has not been reported in the literature in individuals affected with GSN-related conditions. This variant is not present in population databases (gnomAD no frequency). This sequence change falls in intron 5 of the GSN gene. It does not directly change the encoded amino acid sequence of the GSN protein. In summary, the available evidence is currently insufficient to determine the role of this variant in disease. Therefore, it has been classified as a Variant of Uncertain Significance.